The following continues an entry in ClinVar:

NM_000059.4(BRCA2):c.3445A>G (p.Met1149Val)

Gene: BRCA2. ClinVar aggregate classification (germline): Benign/Likely benign. Benign (8); Likely benign (10).

Submissions 16 to 27 of 27:

Women's Health and Genetics/Laboratory Corporation of America, LabCorp
Classification: Benign. Last evaluated: 2017-12-06. Review status: criteria provided, single submitter. Criteria: LabCorp Variant Classification Summary - May 2015. Collection method: clinical testing. Allele origin: germline.
Comment: Variant summary: The BRCA2 c.3445A>G (p.Met1149Val) variant involves the alteration of a non-conserved nucleotide, not located in any known domain. 3/4 in silico tools predict a benign outcome for this variant (SNPsandGO not captured due to low reliability index). This variant was found in 49/280622 control chromosomes, predominantly observed in the East Asian subpopulation at a frequency of 0.001219 (23/18862). This frequency is about 2 times the estimated maximal expected allele frequency of a pathogenic BRCA2 variant (0.0007503), suggesting this is likely a benign polymorphism found primarily in the populations of East Asian origin. The variant of interest have been observed in multiple affected individuals with limited information concerning co-occurrence and co-segregation data. A case-control study in Asian population showed that this variant does not associate with Breast Cancer (OR=0.83, P=0.74, Lai_2017). UMD reports the variant to co-occur with another potentially pathogenic BRCA2 variant, c.2092delC (Leu698Tyrfs). In addition, multiple clinical diagnostic laboratories/reputable databases classified this variant as benign/likely benign. Taken together, this variant is classified as benign.

Color Diagnostics, LLC DBA Color Health
Classification: Likely benign for Hereditary cancer-predisposing syndrome. Last evaluated: 2015-04-24. Review status: criteria provided, single submitter. Criteria: ACMG Guidelines, 2015. Collection method: clinical testing. Allele origin: germline.

CSER _CC_NCGL, University of Washington
Classification: Likely benign for Oesophageal carcinoma. Last evaluated: 2014-06-01. Review status: criteria provided, single submitter. Criteria: Amendola et al. (Genome Res. 2015). Collection method: research. Allele origin: germline. Inheritance: Autosomal dominant inheritance. Study: ESP 6500 variant annotation.
Comment: Variants classified for the Actionable exomic incidental findings in 6503 participants: challenges of variant classification manuscript

BRCAlab, Lund University
Classification: Likely benign for Breast-ovarian cancer, familial, susceptibility to, 2. Last evaluated: 2020-03-02. Review status: no assertion criteria provided. Collection method: clinical testing. Allele origin: germline. Affected: yes. Not counted in ClinVar's aggregate classification.

PreventionGenetics, part of Exact Sciences
Classification: Likely benign for BRCA2-related condition. Last evaluated: 2019-03-26. Review status: no assertion criteria provided. Collection method: clinical testing. Allele origin: germline. Not counted in ClinVar's aggregate classification.
Comment: This variant is classified as likely benign based on ACMG/AMP sequence variant interpretation guidelines (Richards et al. 2015 PMID: 25741868, with internal and published modifications).

Cancer Genetics and Genomics Laboratory, British Columbia Cancer Agency
Classification: Uncertain significance for Hereditary breast ovarian cancer syndrome. Last evaluated: 2017-04-18. Review status: no assertion criteria provided. Collection method: clinical testing. Allele origin: germline. Study: The Canadian Open Genetics Repository (COGR). Not counted in ClinVar's aggregate classification.

ITMI
No classification provided. Condition: AllHighlyPenetrant. Last evaluated: 2013-09-19. Review status: no classification provided. Collection method: reference population. Allele origin: germline. Not counted in ClinVar's aggregate classification.
Comment: Please see associated publication for description of ethnicities

Sharing Clinical Reports Project (SCRP)
Classification: Benign for Breast-ovarian cancer, familial 2. Last evaluated: 2009-09-01. Review status: no assertion criteria provided. Collection method: clinical testing. Allele origin: germline. Not counted in ClinVar's aggregate classification.

Breast Cancer Information Core (BIC) (BRCA2)
Classification: Uncertain significance for Breast-ovarian cancer, familial 2. Last evaluated: 2004-02-20. Review status: no assertion criteria provided. Collection method: clinical testing. Allele origin: germline. Affected: yes. Observed: 8 variant alleles. Not counted in ClinVar's aggregate classification.

Center for Precision Medicine, Meizhou People's Hospital
Classification: Likely benign for Familial cancer of breast. Review status: no assertion criteria provided. Collection method: literature only. Allele origin: germline. Affected: yes. Not counted in ClinVar's aggregate classification.

Department of Pathology and Laboratory Medicine, Sinai Health System
Classification: Likely benign for Malignant tumor of breast. Review status: no assertion criteria provided. Collection method: clinical testing. Allele origin: unknown. Affected: yes. Study: The Canadian Open Genetics Repository (COGR). Not counted in ClinVar's aggregate classification.
Comment: The BRCA2 p.Met1149Val variant was identified in 6 of 3530 proband chromosomes (frequency: 0.002) from individuals or families with breast and ESCC cancer (Bodian 2014, Dorschner 2013, Theng Toh 2008, Zhong 2011). The variant was also identified in dbSNP (ID: rs80358589), with a minor allele frequency of 0.001 (1000 Genomes Project), NHLBI Exome Sequencing Project (Exome Variant Server), Exome Aggregation Consortium (ExAC) database, HGMD, the ClinVar database (classified as a benign variant by the Sharing Clinical Reports Project, derived from Myriad reports; classified as likely benign by Ambry Genetics; classified as uncertain significance by Invitae, GeneDX, BIC and CSER_CC_NCGL ), the BIC database (8X with unknown clinical importance), and UMD (4X as an unclassified variant). In UMD the variant was identified with a co-occurring pathogenic BRCA2 variant (c.2092delC (p.Leu698TyrfsX32)), increasing the likelihood that the p.Met1149Val variant does not have clinical significance. This variant was identified in the 1000 Genomes Project in 5 of 5000 chromosomes (frequency: 0.001), Exome Variant Server project in 4 of 4406 African American alleles, the Exome Aggregation Consortium (ExAC) database (released Oct 20th, 2014) in 26 of 18988 chromosomes (frequency: 0.001) from a population of East Asian and African individuals, increasing the likelihood that this may be a low frequency benign variant in certain populations of origin.The p.Met1149 residue is not conserved in mammals and computational analyses (PolyPhen-2, SIFT, AlignGVGD, BLOSUM, MutationTaster) do not suggest a high likelihood of impact to the protein. However, this information is not predictive enough to rule out pathogenicity. The variant occurs outside of the splicing consensus sequence and in silico or computational prediction software programs (SpliceSiteFinder, MaxEntScan, NNSPLICE, GeneSplicer, HumanSpliceFinder) do not predict a difference in splicing. A study by Theng Toh (2008) suggested variant is predicted to be a neutral alteration that has little clinical significance and occurs at a residue that is not evolutionarily conserved. In summary, based on the above information, the clinical significance of this variant cannot be determined with certainty at this time although we would lean towards a more benign role for this variant. This variant is classified as predicted benign.

Dr. Peter K. Rogan Lab, Western University
No classification provided (evidence only). Condition: Familial cancer of breast. Review status: no classification provided. Collection method: in vitro. Allele origin: not applicable. Functional consequence: retained intron. Not counted in ClinVar's aggregate classification.

Literature cited by the submitters: PubMed 25637381 (cited by Quest Diagnostics Nichols Institute San Juan Capistrano); PubMed 28222693 (cited by Quest Diagnostics Nichols Institute San Juan Capistrano); PubMed 18627636 (cited by Quest Diagnostics Nichols Institute San Juan Capistrano and Women's Health and Genetics/Laboratory Corporation of America, LabCorp); PubMed 24728327 (cited by 3 submitters); PubMed 18431501 (cited by Quest Diagnostics Nichols Institute San Juan Capistrano and Women's Health and Genetics/Laboratory Corporation of America, LabCorp); PubMed 22293751 (cited by Quest Diagnostics Nichols Institute San Juan Capistrano and Women's Health and Genetics/Laboratory Corporation of America, LabCorp); PubMed 17972177 (cited by 4 submitters); PubMed 21218378 (cited by Quest Diagnostics Nichols Institute San Juan Capistrano and Women's Health and Genetics/Laboratory Corporation of America, LabCorp); PubMed 22126563 (cited by Quest Diagnostics Nichols Institute San Juan Capistrano and Women's Health and Genetics/Laboratory Corporation of America, LabCorp); PubMed 18779604 (cited by Quest Diagnostics Nichols Institute San Juan Capistrano and Women's Health and Genetics/Laboratory Corporation of America, LabCorp); PubMed 24055113 (cited by Quest Diagnostics Nichols Institute San Juan Capistrano and Women's Health and Genetics/Laboratory Corporation of America, LabCorp); PubMed 22486713 (cited by 4 submitters); PubMed 21120943 (cited by Quest Diagnostics Nichols Institute San Juan Capistrano and Women's Health and Genetics/Laboratory Corporation of America, LabCorp); PubMed 33471991 (cited by Quest Diagnostics Nichols Institute San Juan Capistrano); PubMed 32467295 (cited by Quest Diagnostics Nichols Institute San Juan Capistrano); PubMed 30702160 (cited by Quest Diagnostics Nichols Institute San Juan Capistrano); PubMed 31131967 (cited by Quest Diagnostics Nichols Institute San Juan Capistrano); DOI 10.3389/fgene.2022.834265 (cited by National Health Laboratory Service, Universitas Academic Hospital and University of the Free State); PubMed 26689913 (cited by Women's Health and Genetics/Laboratory Corporation of America, LabCorp); PubMed 23555315 (cited by Women's Health and Genetics/Laboratory Corporation of America, LabCorp); PubMed 21523855 (cited by Women's Health and Genetics/Laboratory Corporation of America, LabCorp); PubMed 35464868 (cited by Center for Precision Medicine, Meizhou People's Hospital).